The following is an entry in ClinVar:

ClinVar aggregate classification (germline): Uncertain significance (1 of 4 stars; one submission).

Submission:

Ambry Genetics
Classification: Uncertain significance. Last evaluated: 2026-08-10. Review status: criteria provided, single submitter. Criteria: Ambry Variant Classification Scheme 2023. Collection method: clinical testing. Allele origin: germline.
Comment: The p.Q701R variant (also known as c.2102A>G), located in coding exon 1 of the TET2 gene, results from an A to G substitution at nucleotide position 2102. The glutamine at codon 701 is replaced by arginine, an amino acid with highly similar properties. This amino acid position is conserved. In addition, this alteration is predicted to be tolerated by in silico analysis. Based on the available evidence, the clinical significance of this variant remains unclear.

NM_001127208.3(TET2):c.2102A>G (p.Gln701Arg)

Genes: TET2 (tet methylcytosine dioxygenase 2; plus strand), TET2-AS1 (TET2 antisense RNA 1; minus strand). Cytogenetic location: 4q24.
Variant type: single nucleotide variant.
Coding change: c.2102A>G on transcript NM_001127208.3 (MANE Select); coding-DNA position 2102, A replaced by G.
Protein change: p.Gln701Arg; replaces glutamine 701 with arginine.
Molecular consequence: missense variant.
Genome position (GRCh38, 1-based): chr4:105,236,044, A>G. VCF-style: chr4-105236044-A-G. GRCh37 (hg19) VCF-style: chr4-106157201-A-G.
Other names: c.2102A>G, p.Gln701Arg (NM_017628.4); short protein forms Q701R.
Identifiers: ClinVar variation 5030746 (VCV005030746.1).
Genomic context (GRCh38, chr4:105,236,044, plus strand): 5'-TTCATTTTCAACAAAGAGCAGATTCCCAAACTGAAAAACTTATGTCCCCAGTGTTGAAAC[A>G]GCACTTGAATCAACAGGCTTCAGAGACTGAGCCATTTTCAAACTCACACCTTTTGCAACA-3'
Protein context (NP_001120680.1, residues 691-711): TEKLMSPVLK[Gln701Arg]HLNQQASETE